The following is an entry in ClinVar:

NM_001154.4(ANXA5):c.-1C>T

Gene: ANXA5 (annexin A5; minus strand). Cytogenetic location: 4q27.
Variant type: single nucleotide variant.
Coding change: c.-1C>T on transcript NM_001154.4 (MANE Select); 1 bases upstream of the start codon, C replaced by T.
Molecular consequence: 5 prime UTR variant.
Genome position (GRCh38, 1-based): chr4:121,696,590, G>A on the plus strand (C>T on the coding strand, the complement: ANXA5 is on the minus strand). VCF-style: chr4-121696590-G-A. GRCh37 (hg19) VCF-style: chr4-122617745-G-A.
Identifiers: ClinVar variation 3056546 (VCV003056546.2), dbSNP rs1131239, ClinGen allele CA3063075.

ClinVar aggregate classification (germline): Benign (0 of 4 stars; one submission).

Conditions:
ANXA5-related disorder. Also called: ANXA5-related condition.

Allele frequency attached by ClinVar (database versions not stated): gnomAD exomes 0.12030; ExAC 0.15298; gnomAD 0.17072; ESP Exome Variant Server 0.17330; TOPMed 0.17784; 1000 Genomes Project 30x 0.20315; 1000 Genomes Project 0.20447.
gnomAD v4.1: 179,910 of 1,424,404 alleles (13%); highest among the groups gnomAD compares: African/African-American, 28%; 12,851 homozygotes.

Submission:

PreventionGenetics, part of Exact Sciences
Classification: Benign for ANXA5-related condition. Last evaluated: 2019-11-25. Review status: no assertion criteria provided. Collection method: clinical testing. Allele origin: germline.
Comment: This variant is classified as benign based on ACMG/AMP sequence variant interpretation guidelines (Richards et al. 2015 PMID: 25741868, with internal and published modifications).